The following is an entry in ClinVar:

NM_001378454.1(ALMS1):c.4792T>A (p.Ser1598Thr)

Gene: ALMS1 (ALMS1 centrosome and basal body associated protein; plus strand). Cytogenetic location: 2p13.1.
Variant type: single nucleotide variant.
Coding change: c.4792T>A on transcript NM_001378454.1 (MANE Select); coding-DNA position 4792, T replaced by A.
Protein change: p.Ser1598Thr; replaces serine 1598 with threonine.
Molecular consequence: missense variant.
Genome position (GRCh38, 1-based): chr2:73,451,319, T>A. VCF-style: chr2-73451319-T-A. GRCh37 (hg19) VCF-style: chr2-73678446-T-A.
Other names: c.4795T>A, p.Ser1599Thr (NM_015120.4); short protein forms S1599T, S1598T.
Identifiers: ClinVar variation 2585537 (VCV002585537.1), dbSNP rs2466102790, ClinGen allele CA347279272.

ClinVar aggregate classification (germline): Uncertain significance (1 of 4 stars; one submission).

Conditions:
Alstrom syndrome (ALMS). Identifiers: Orphanet 64, MedGen C0268425, MONDO:0008763, OMIM 203800.

Submission:

Neuberg Centre For Genomic Medicine, NCGM
Classification: Uncertain significance for Alstrom syndrome. Review status: criteria provided, single submitter. Criteria: ACMG Guidelines, 2015. Collection method: clinical testing. Allele origin: germline. Inheritance: Autosomal recessive inheritance. Affected: yes.
Comment: The missense c.4795T>A (p.Ser1599Thr) variant in ALMS1 gene has not been reported previously as a pathogenic variant nor as a benign variant to our knowledge. The p.Ser1599Thr variant is novel (not in any individuals) in gnomAD Exomes and 1000 Genomes. The amino acid Ser at position 1599 is changed to a Thr changing protein sequence and it might alter its composition and physico-chemical properties. For these reasons, this variant has been classified as Uncertain Significance.